The following is an entry in ClinVar:

ClinVar aggregate classification (germline): Benign (1 of 4 stars; one submission).

Allele frequency attached by ClinVar (database versions not stated): TOPMed 0.21950; 1000 Genomes Project 30x 0.24485; 1000 Genomes Project 0.25020.
gnomAD v4.1: 34,545 of 151,188 alleles (23%); highest among the groups gnomAD compares: East Asian, 41%; 4,768 homozygotes.

Submission:

GeneDx
Classification: Benign. Last evaluated: 2018-06-15. Review status: criteria provided, single submitter. Criteria: GeneDx Variant Classification (06012015). Collection method: clinical testing. Allele origin: germline. Affected: yes.
Comment: This variant is considered likely benign or benign based on one or more of the following criteria: it is a conservative change, it occurs at a poorly conserved position in the protein, it is predicted to be benign by multiple in silico algorithms, and/or has population frequency not consistent with disease.

NM_006393.3(NEBL):c.2761+227C>G

Gene: NEBL (nebulette; minus strand). Cytogenetic location: 10p12.31.
Variant type: single nucleotide variant.
Coding change: c.2761+227C>G on transcript NM_006393.3 (MANE Select); 227 bases into the intron after coding-DNA position 2761, C replaced by G.
Molecular consequence: intron variant.
Genome position (GRCh38, 1-based): chr10:20,808,283, G>C on the plus strand (C>G on the coding strand, the complement: NEBL is on the minus strand). VCF-style: chr10-20808283-G-C. GRCh37 (hg19) VCF-style: chr10-21097212-G-C.
Other names: c.421+4486C>G (NM_001377326.1, NM_001377327.1, NM_001377328.1); c.529+4486C>G (NM_213569.2, NM_001173484.2); c.622+1523C>G (NM_001377322.1); c.472+4486C>G (NM_001377324.1); c.463+4486C>G (NM_001377325.1); c.481+4486C>G (NM_001377323.1).
Identifiers: ClinVar variation 678540 (VCV000678540.1), dbSNP rs10828135, ClinGen allele CA13351170.
Genomic context (GRCh38, chr10:20,808,283, plus strand): 5'-GTGAAACAGACTCAAGCAGCAAGTCTCAAGACCCTTTTGTCATTACAAATCCATTGCTGC[G>C]ATAATAGTGAAGTAAGACGGGGGGAAAATAACATGCAAAAATGCAAATTAGTAGGGTTTT-3'